The following is an entry in ClinVar:

NM_172107.4(KCNQ2):c.812G>T (p.Gly271Val)

Gene: KCNQ2 (potassium voltage-gated channel subfamily Q member 2; minus strand). Cytogenetic location: 20q13.33.
Variant type: single nucleotide variant.
Coding change: c.812G>T on transcript NM_172107.4 (MANE Select); coding-DNA position 812, G replaced by T.
Protein change: p.Gly271Val; replaces glycine 271 with valine.
Molecular consequence: missense variant.
Genome position (GRCh38, 1-based): chr20:63,442,410, C>A on the plus strand (G>T on the coding strand, the complement: KCNQ2 is on the minus strand). VCF-style: chr20-63442410-C-A. GRCh37 (hg19) VCF-style: chr20-62073763-C-A.
Other names: c.812G>T, p.Gly271Val (NM_004518.6, NM_172106.3, NM_172108.5 and 1 more transcripts); short protein forms G271V.
Identifiers: ClinVar variation 21803 (VCV000021803.2), dbSNP rs118192209, ClinGen allele CA342534.
Genomic context (GRCh38, chr20:63,442,410, plus strand): 5'-ACAGGGACAGGGGTGTATCAGCAGGGAAAGGGAAAACCACAATGACCACAACTCACCAGG[C>A]CCCACCAGAGTGCATCCGCGTAGGTGTCAAAGTGGTCGTTCTCCCCCTTCTCTGCCAAGT-3'
Protein context (NP_742105.1, residues 261-281): FDTYADALWW[Gly271Val]LITLTTIGYG

ClinVar aggregate classification (germline): not provided (0 of 4 stars; one submission).

Conditions:
Seizures, benign familial neonatal, 1. Also called: Benign Neonatal Epilepsy 1; KCNQ2-Related Benign Familial Neonatal Epilepsy; KCNQ2-Related Self-Limited Familial Neonatal Epilepsy (SLFNE); Seizures, benign neonatal, 1. Identifiers: Orphanet 1949, MedGen C3149074, MONDO:0007365, OMIM 121200.

Submission:

GeneReviews
No classification provided. Condition: Seizures, benign familial neonatal, 1. Review status: no classification provided. Collection method: literature only. Allele origin: germline. Affected: yes.
Comment: BFIS (benign familial infantile seizures)

Literature cited by the submitters: PubMed 16691402; PubMed 25960349; NCBI Bookshelf NBK32534.